The following is an entry in ClinVar:

ClinVar aggregate classification (germline): Likely pathogenic (1 of 4 stars; one submission).

Conditions:
Familial cancer of breast. Also called: hereditary breast carcinoma; Hereditary breast cancer; BREAST CANCER, FAMILIAL. Identifiers: Orphanet 227535, MedGen C0346153, MONDO:0016419, OMIM 114480. Disease mechanism: loss of function.

Submission:

Labcorp Genetics (formerly Invitae), Labcorp
Classification: Likely pathogenic for Familial cancer of breast. Last evaluated: 2026-01-14. Review status: criteria provided, single submitter. Criteria: Invitae Variant Classification Sherloc (09022015). Collection method: clinical testing. Allele origin: germline.
Comment: This sequence change affects an acceptor splice site in intron 9 of the CHEK2 gene. It is expected to disrupt RNA splicing. Variants that disrupt the donor or acceptor splice site typically lead to a loss of protein function (PMID: 16199547), and loss-of-function variants in CHEK2 are known to be pathogenic (PMID: 21876083, 24713400). This variant is not present in population databases (gnomAD no frequency). This variant has not been reported in the literature in individuals affected with CHEK2-related conditions. ClinVar contains an entry for this variant (Variation ID: 1346068). Algorithms developed to predict the effect of sequence changes on RNA splicing suggest that this variant may disrupt the consensus splice site. In summary, the currently available evidence indicates that the variant is pathogenic, but additional data are needed to prove that conclusively. Therefore, this variant has been classified as Likely Pathogenic.

Literature cited by the submitters: PubMed 16199547; PubMed 21876083; PubMed 24713400.

NM_007194.4(CHEK2):c.1009-2A>T

Gene: CHEK2 (checkpoint kinase 2; minus strand). Cytogenetic location: 22q12.1.
Variant type: single nucleotide variant.
Coding change: c.1009-2A>T on transcript NM_007194.4 (MANE Select); the canonical splice acceptor site of the intron before coding-DNA position 1009, A replaced by T.
Molecular consequence: splice acceptor variant. On other transcripts: intron variant (3).
Genome position (GRCh38, 1-based): chr22:28,696,989, T>A on the plus strand (A>T on the coding strand, the complement: CHEK2 is on the minus strand). VCF-style: chr22-28696989-T-A. GRCh37 (hg19) VCF-style: chr22-29092977-T-A.
Other names: c.346-2A>T (NM_001437942.1, NM_001257387.3); c.808-2A>T (NM_001349956.3); c.1009-1116A>T (NM_145862.3); c.1102-1116A>T (NM_001438295.1); c.1102-2A>T (NM_001438293.1); c.1138-1116A>T (NM_001438294.1); c.1138-2A>T (NM_001005735.3).
Identifiers: ClinVar variation 1346068 (VCV001346068.9), dbSNP rs766158073, ClinGen allele CA411097872.